The following is an entry in ClinVar:

NM_004311.4(ARL3):c.535G>C (p.Ala179Pro)

Gene: ARL3 (ARF like GTPase 3; minus strand). Cytogenetic location: 10q24.32.
Variant type: single nucleotide variant.
Coding change: c.535G>C on transcript NM_004311.4 (MANE Select); coding-DNA position 535, G replaced by C.
Protein change: p.Ala179Pro; replaces alanine 179 with proline.
Molecular consequence: missense variant.
Genome position (GRCh38, 1-based): chr10:102,676,908, C>G on the plus strand (G>C on the coding strand, the complement: ARL3 is on the minus strand). VCF-style: chr10-102676908-C-G. GRCh37 (hg19) VCF-style: chr10-104436665-C-G.
Other names: c.535G>C (NM_004311.3); short protein forms A179P.
Identifiers: ClinVar variation 2788955 (VCV002788955.4), dbSNP rs376548476, ClinGen allele CA212244934.

ClinVar aggregate classification (germline): Uncertain significance. Review status: criteria provided, multiple submitters, no conflicts (2 of 4 stars). 2 submissions from 2 submitters: Uncertain significance (2). Last evaluated 2025-08-25.

Conditions:
Inborn genetic diseases. Identifiers: MedGen C0950123, MeSH D030342.

Allele frequency attached by ClinVar (database versions not stated): gnomAD 0.00001.
gnomAD v4.1: 2 of 1,614,078 alleles (0.00012%); highest among the groups gnomAD compares: African/African-American, 0.0027%; no homozygotes.

Submissions (2):

Ambry Genetics
Classification: Uncertain significance for Inborn genetic diseases. Last evaluated: 2025-08-25. Review status: criteria provided, single submitter. Criteria: Ambry Variant Classification Scheme 2023. Collection method: clinical testing. Allele origin: germline.

Labcorp Genetics (formerly Invitae), Labcorp
Classification: Uncertain significance. Last evaluated: 2022-11-12. Review status: criteria provided, single submitter. Criteria: Invitae Variant Classification Sherloc (09022015). Collection method: clinical testing. Allele origin: germline.
Comment: Algorithms developed to predict the effect of missense changes on protein structure and function are either unavailable or do not agree on the potential impact of this missense change (SIFT: "Deleterious"; PolyPhen-2: "Benign"; Align-GVGD: "Class C0"). This sequence change replaces alanine, which is neutral and non-polar, with proline, which is neutral and non-polar, at codon 179 of the ARL3 protein (p.Ala179Pro). This variant is present in population databases (no rsID available, gnomAD 0.007%). This variant has not been reported in the literature in individuals affected with ARL3-related conditions. In summary, the available evidence is currently insufficient to determine the role of this variant in disease. Therefore, it has been classified as a Variant of Uncertain Significance.